The following is an entry in ClinVar:

NM_000492.4(CFTR):c.609C>G (p.Ile203Met)

Gene: CFTR (CF transmembrane conductance regulator; plus strand). Cytogenetic location: 7q31.2.
Variant type: single nucleotide variant.
Coding change: c.609C>G on transcript NM_000492.4 (MANE Select); coding-DNA position 609, C replaced by G.
Protein change: p.Ile203Met; replaces isoleucine 203 with methionine.
Molecular consequence: missense variant.
Genome position (GRCh38, 1-based): chr7:117,535,277, C>G. VCF-style: chr7-117535277-C-G. GRCh37 (hg19) VCF-style: chr7-117175331-C-G.
Other names: p.Ile203Met; short protein forms I203M.
Identifiers: ClinVar variation 54025 (VCV000054025.7), dbSNP rs1800081, ClinGen allele CA327599.

ClinVar aggregate classification (germline): Uncertain significance. Review status: criteria provided, multiple submitters, no conflicts (2 of 4 stars). 4 submissions from 4 submitters: Uncertain significance (3). 1 of the submissions does not count toward it. Last evaluated 2025-10-20.

Conditions:
Cystic fibrosis (CF). Also called: MUCOVISCIDOSIS. Identifiers: Orphanet 586, MedGen C0010674, MONDO:0009061, OMIM 219700. Disease mechanism: loss of function.

gnomAD v4.1: 1 of 1,613,998 alleles (0.000062%); no homozygotes.

Submissions (4):

Mayo Clinic Laboratories, Mayo Clinic
Classification: Uncertain significance. Last evaluated: 2025-10-20. Review status: criteria provided, single submitter. Criteria: ACMG Guidelines, 2015. Collection method: clinical testing. Allele origin: germline. Observed: 1 variant allele.
Comment: PP3, PM2_supporting, PM3

Ambry Genetics
Classification: Uncertain significance for Cystic fibrosis. Last evaluated: 2025-07-01. Review status: criteria provided, single submitter. Criteria: Ambry Variant Classification Scheme 2023. Collection method: clinical testing. Allele origin: germline.
Comment: The p.I203M variant (also known as c.609C>G), located in coding exon 6 of the CFTR gene, results from a C to G substitution at nucleotide position 609. The isoleucine at codon 203 is replaced by methionine, an amino acid with highly similar properties. This amino acid position is highly conserved in available vertebrate species. In addition, this alteration is predicted to be deleterious by in silico analysis. Based on the available evidence, the clinical significance of this variant remains unclear.

Labcorp Genetics (formerly Invitae), Labcorp
Classification: Uncertain significance for Cystic fibrosis. Last evaluated: 2023-08-04. Review status: criteria provided, single submitter. Criteria: Invitae Variant Classification Sherloc (09022015). Collection method: clinical testing. Allele origin: germline.
Comment: This missense change has been observed in individual(s) with CFTR-related disease (PMID: 20059485). This variant is not present in population databases (gnomAD no frequency). This sequence change replaces isoleucine, which is neutral and non-polar, with methionine, which is neutral and non-polar, at codon 203 of the CFTR protein (p.Ile203Met). ClinVar contains an entry for this variant (Variation ID: 54025). In summary, the available evidence is currently insufficient to determine the role of this variant in disease. Therefore, it has been classified as a Variant of Uncertain Significance. Advanced modeling of protein sequence and biophysical properties (such as structural, functional, and spatial information, amino acid conservation, physicochemical variation, residue mobility, and thermodynamic stability) performed at Invitae indicates that this missense variant is expected to disrupt CFTR protein function.

ClinVar Staff, National Center for Biotechnology Information (NCBI)
No classification provided. Condition: CFTR-related disorders. Review status: no classification provided. Collection method: literature only. Allele origin: germline. Affected: yes. Not counted in ClinVar's aggregate classification.

Literature cited by the submitters: PubMed 20059485 (cited by 3 submitters); PubMed 26277102 (cited by Mayo Clinic Laboratories, Mayo Clinic); PubMed 35913788 (cited by Mayo Clinic Laboratories, Mayo Clinic).